The following is an entry in ClinVar:

ClinVar aggregate classification (germline): Benign/Likely benign. Review status: criteria provided, multiple submitters, no conflicts (2 of 4 stars). 3 submissions from 3 submitters: Benign (1); Likely benign (2). Last evaluated 2026-07-14.

Conditions:
Hereditary cancer-predisposing syndrome. Also called: Hereditary Cancer Syndrome; Hereditary neoplastic syndrome; Neoplastic Syndromes, Hereditary; Tumor predisposition. Identifiers: Orphanet 140162, MedGen C0027672, MeSH D009386, MONDO:0015356.
Rhabdoid tumor predisposition syndrome 2 (RTPS2). Identifiers: Orphanet 231108, Orphanet 69077, MedGen C2750074, MONDO:0013224, OMIM 613325.

Allele frequency attached by ClinVar (database versions not stated): gnomAD 0.00001; TOPMed below 0.00001; gnomAD exomes below 0.00001 and 0.00001.
gnomAD v4.1: 9 of 1,613,318 alleles (0.00056%); highest among the groups gnomAD compares: Non-Finnish European, 0.00068%; no homozygotes.

Submissions (3):

Myriad Genetics, Inc.
Classification: Benign for Rhabdoid tumor predisposition syndrome 2. Last evaluated: 2026-07-14. Review status: criteria provided, single submitter. Criteria: Myriad Autosomal Dominant, Autosomal Recessive and X-Linked Classification Criteria (2023). Collection method: clinical testing. Allele origin: unknown.
Comment: This variant is considered benign. This variant is a silent/synonymous amino acid change and it is not expected to impact splicing.

Labcorp Genetics (formerly Invitae), Labcorp
Classification: Likely benign for Rhabdoid tumor predisposition syndrome 2. Last evaluated: 2025-10-16. Review status: criteria provided, single submitter. Criteria: Invitae Variant Classification Sherloc (09022015). Collection method: clinical testing. Allele origin: germline.

Ambry Genetics
Classification: Likely benign for Hereditary cancer-predisposing syndrome. Last evaluated: 2016-04-13. Review status: criteria provided, single submitter. Criteria: Ambry Variant Classification Scheme 2023. Collection method: clinical testing. Allele origin: germline.

NM_003072.5(SMARCA4):c.2895C>T (p.Ile965=)

Gene: SMARCA4 (SWI/SNF related BAF chromatin remodeling complex subunit ATPase 4; plus strand). Cytogenetic location: 19p13.2.
Variant type: single nucleotide variant.
Coding change: c.2895C>T on transcript NM_003072.5 (MANE Select); coding-DNA position 2895, C replaced by T.
Protein change: p.Ile965=; no amino-acid change (isoleucine 965 retained).
Molecular consequence: synonymous variant. On other transcripts: non-coding transcript variant (1).
Genome position (GRCh38, 1-based): chr19:11,023,553, C>T. VCF-style: chr19-11023553-C-T. GRCh37 (hg19) VCF-style: chr19-11134229-C-T.
Other names: c.2895C>T, p.Ile965= (NM_001128848.2, NM_001128849.3, NM_001374457.1 and 5 more transcripts).
Identifiers: ClinVar variation 470325 (VCV000470325.16), dbSNP rs1377235968, ClinGen allele CA505490394.